The following is an entry in ClinVar:

ClinVar aggregate classification (germline): Pathogenic (1 of 4 stars; one submission).

Conditions:
Autosomal dominant KAT6B-related disorders.

Submission:

Variantyx, Inc.
Classification: Pathogenic for Autosomal dominant KAT6B-related disorders. Last evaluated: 2025-12-08. Review status: criteria provided, single submitter. Criteria: Variantyx Assertion Criteria 2022. Collection method: clinical testing. Allele origin: de novo. Inheritance: Autosomal dominant inheritance. Affected: yes.
Comment: This is a frameshift variant in the KAT6B gene (OMIM: 605880). Pathogenic variants in this gene have been associated with autosomal dominant KAT6B-related disorders. It introduces a premature termination codon in exon 18 out of 18 and is expected to disrupt the C-terminal region of the protein, a common pathogenic mechanism for KAT6B in this disorder (PMID: 23236640) (PVS1). This variant is absent from control populations (PM2) and it has not been reported in individuals with KAT6B-related disorders in the databases available for review. Based on the current evidence, this variant is classified as pathogenic for autosomal dominant KAT6B-related disorders.

Literature cited by the submitters: PubMed 23236640.

NM_012330.4(KAT6B):c.3853dup (p.Glu1285fs)

Gene: KAT6B (lysine acetyltransferase 6B; plus strand). Cytogenetic location: 10q22.2.
Variant type: Duplication.
Coding change: c.3853dup on transcript NM_012330.4 (MANE Select); coding-DNA position 3853, one base duplicated (G; older notation c.3853dupG).
Protein change: p.Glu1285fs; shifts the reading frame from glutamic acid 1285.
Molecular consequence: frameshift variant.
Genome position (GRCh38, 1-based): chr10:75,028,677, G duplicated. VCF-style (leftmost placement, unchanged base first): chr10-75028676-C-CG. GRCh37 (hg19) VCF-style: chr10-76788434-C-CG.
Other names: c.3304dup, p.Glu1102fs (NM_001256468.2, NM_001370138.1); c.2977dup, p.Glu993fs (NM_001256469.2, NM_001370139.1, NM_001370140.1 and 2 more transcripts); c.2815dup, p.Glu939fs (NM_001370132.1); c.2164dup, p.Glu722fs (NM_001370133.1); c.1768dup, p.Glu590fs (NM_001370134.1); c.1510dup, p.Glu504fs (NM_001370135.1); c.3853dup, p.Glu1285fs (NM_001370136.1, NM_001370137.1); c.2788dup, p.Glu930fs (NM_001370143.1, NM_001370144.1); short protein forms E1102fs, E1285fs, E504fs, E590fs, E722fs, E930fs, E939fs, E993fs.
Identifiers: ClinVar variation 4813804 (VCV004813804.1).